The following is an entry in ClinVar:

NM_177531.6(PKHD1L1):c.4289C>T (p.Pro1430Leu)

Gene: PKHD1L1 (PKHD1 like 1; plus strand). Cytogenetic location: 8q23.1.
Variant type: single nucleotide variant.
Coding change: c.4289C>T on transcript NM_177531.6 (MANE Select); coding-DNA position 4289, C replaced by T.
Protein change: p.Pro1430Leu; replaces proline 1430 with leucine.
Molecular consequence: missense variant.
Genome position (GRCh38, 1-based): chr8:109,442,091, C>T. VCF-style: chr8-109442091-C-T. GRCh37 (hg19) VCF-style: chr8-110454320-C-T.
Other names: c.4289C>T (NM_177531.4); short protein forms P1430L.
Identifiers: ClinVar variation 2658749 (VCV002658749.25), dbSNP rs186176277, ClinGen allele CA4844948.

ClinVar aggregate classification (germline): Likely benign. Review status: criteria provided, multiple submitters, no conflicts (2 of 4 stars). 2 submissions from 2 submitters: Likely benign (2). Last evaluated 2026-02-09.

Conditions:
PKHD1L1-related disorder. Also called: PKHD1L1-related condition.

Allele frequency attached by ClinVar (database versions not stated): 1000 Genomes Project 0.00120; 1000 Genomes Project 30x 0.00156; TOPMed 0.00331; ESP Exome Variant Server 0.00394; ExAC 0.00457; gnomAD exomes 0.00564.
gnomAD v4.1: 8,652 of 1,613,332 alleles (0.54%); highest among the groups gnomAD compares: Non-Finnish European, 0.66%; 31 homozygotes.

Submissions (2):

PreventionGenetics, part of Exact Sciences
Classification: Likely benign for PKHD1L1-related condition. Last evaluated: 2026-02-09. Review status: criteria provided, single submitter. Criteria: ACMG Guidelines, 2015. Collection method: clinical testing. Allele origin: germline.
Comment: This variant is classified as likely benign based on ACMG/AMP sequence variant interpretation guidelines (Richards et al. 2015 PMID: 25741868, with internal and published modifications).

CeGaT Center for Human Genetics Tuebingen
Classification: Likely benign. Last evaluated: 2023-03-01. Review status: criteria provided, single submitter. Criteria: CeGaT Center For Human Genetics Tuebingen Variant Classification Criteria Version 2. Collection method: clinical testing. Allele origin: germline. Affected: yes. Observed: 1 variant allele.
Comment: PKHD1L1: BP4, BS2